The following is an entry in ClinVar:

ClinVar aggregate classification (germline): Uncertain significance (1 of 4 stars; one submission).

Conditions:
Familial focal epilepsy with variable foci (FPEVF). Identifiers: Orphanet 98820, MedGen C1858477, MONDO:0020310.

Allele frequency attached by ClinVar (database versions not stated): gnomAD exomes 0.00001; gnomAD 0.00002.
gnomAD v4.1: 6 of 1,551,246 alleles (0.00039%); highest among the groups gnomAD compares: Middle Eastern, 0.017%; no homozygotes.

Submission:

Labcorp Genetics (formerly Invitae), Labcorp
Classification: Uncertain significance for Familial focal epilepsy with variable foci. Last evaluated: 2024-01-24. Review status: criteria provided, single submitter. Criteria: Invitae Variant Classification Sherloc (09022015). Collection method: clinical testing. Allele origin: germline.
Comment: This sequence change replaces glycine, which is neutral and non-polar, with glutamic acid, which is acidic and polar, at codon 1090 of the DEPDC5 protein (p.Gly1090Glu). This variant is present in population databases (no rsID available, gnomAD no frequency). This variant has not been reported in the literature in individuals affected with DEPDC5-related conditions. ClinVar contains an entry for this variant (Variation ID: 860500). Experimental studies and prediction algorithms are not available or were not evaluated, and the functional significance of this variant is currently unknown. In summary, the available evidence is currently insufficient to determine the role of this variant in disease. Therefore, it has been classified as a Variant of Uncertain Significance.

NM_001242896.3(DEPDC5):c.3269G>A (p.Gly1090Glu)

Gene: DEPDC5 (DEP domain containing 5, GATOR1 subcomplex subunit; plus strand). Cytogenetic location: 22q12.3.
Variant type: single nucleotide variant.
Coding change: c.3269G>A on transcript NM_001242896.3 (MANE Select); coding-DNA position 3269, G replaced by A.
Protein change: p.Gly1090Glu; replaces glycine 1090 with glutamic acid.
Molecular consequence: missense variant. On other transcripts: non-coding transcript variant (2), intron variant (5).
Genome position (GRCh38, 1-based): chr22:31,861,372, G>A. VCF-style: chr22-31861372-G-A. GRCh37 (hg19) VCF-style: chr22-32257358-G-A.
Other names: c.3242G>A, p.Gly1081Glu (NM_001136029.4); c.3035G>A, p.Gly1012Glu (NM_001363854.2, NM_001364319.2); c.3269G>A, p.Gly1090Glu (NM_001364318.2); c.3185G>A, p.Gly1062Glu (NM_001369901.1, NM_001369902.1); c.3237+3819G>A (NM_014662.6, NM_001369903.1); c.3264+3819G>A (NM_001363852.2, NM_001364320.2); c.3030+3819G>A (NM_001242897.2); short protein forms G1090E, G1062E, G1081E, G1012E.
Identifiers: ClinVar variation 860500 (VCV000860500.9), dbSNP rs1217171263, ClinGen allele CA411294515.